The following is an entry in ClinVar:

ClinVar aggregate classification (germline): Conflicting classifications of pathogenicity. Review status: criteria provided, conflicting classifications (1 of 4 stars). 5 submissions from 5 submitters: Uncertain significance (3); Likely benign (2). Last evaluated 2025-12-12.

Conditions:
DSP-related disorder. Also called: DSP-related disorders; DSP-related condition.
Arrhythmogenic right ventricular dysplasia 8 (ARVD8). Also called: ARRHYTHMOGENIC RIGHT VENTRICULAR DYSPLASIA, FAMILIAL, 8; ARRHYTHMOGENIC RIGHT VENTRICULAR CARDIOMYOPATHY 8; Arrhythmogenic Right Ventricular Dysplasia/Cardiomyopathy 8. Identifiers: MedGen C1843896, MONDO:0011831, OMIM 607450.
Arrhythmogenic cardiomyopathy with wooly hair and keratoderma. Also called: PALMOPLANTAR KERATODERMA WITH LEFT VENTRICULAR CARDIOMYOPATHY AND WOOLLY HAIR; Carvajal syndrome; Arrhythmogenic cardiomyopathy with woolly hair and keratoderma; Dilated cardiomyopathy with woolly hair and keratoderma. Identifiers: Orphanet 65282, MedGen C1854063, MONDO:0011581, OMIM 605676.
Cardiomyopathy (CMYO). Also called: Cardiomyopathies. Identifiers: Orphanet 167848, MedGen C0878544, MONDO:0004994, HP:0001638. Inheritance: Various modes of inheritance.

Allele frequency attached by ClinVar (database versions not stated): ExAC 0.00001; gnomAD 0.00001; TOPMed 0.00001; gnomAD exomes 0.00002 and 0.00003.
gnomAD v4.1: 42 of 1,613,972 alleles (0.0026%); highest among the groups gnomAD compares: Non-Finnish European, 0.0034%; no homozygotes.

Submissions (5):

PreventionGenetics, part of Exact Sciences
Classification: Uncertain significance for DSP-related condition. Last evaluated: 2025-12-12. Review status: criteria provided, single submitter. Criteria: ACMG Guidelines, 2015. Collection method: clinical testing. Allele origin: germline.
Comment: The DSP c.5804A>G variant is predicted to result in the amino acid substitution p.Tyr1935Cys. This variant has been reported as detected in a hypertrophic cardiomyopathy cohort (Supplementary Table 1, Lopes et al. 2014. PubMed ID: 25351510). This variant is reported in 0.0062% of alleles in individuals of African descent in gnomAD. At this time, the clinical significance of this variant is uncertain due to the absence of conclusive functional and genetic evidence.

Color Diagnostics, LLC DBA Color Health
Classification: Likely benign for Cardiomyopathy. Last evaluated: 2025-09-22. Review status: criteria provided, single submitter. Criteria: ACMG Guidelines, 2015. Collection method: clinical testing. Allele origin: germline.

All of Us Research Program, National Institutes of Health
Classification: Uncertain significance for Arrhythmogenic cardiomyopathy with wooly hair and keratoderma. Last evaluated: 2023-12-01. Review status: criteria provided, single submitter. Criteria: ACMG Guidelines, 2015. Collection method: clinical testing. Allele origin: germline. Inheritance: Autosomal dominant inheritance. Observed: 4 variant alleles, 4 heterozygotes.
Comment: This missense variant replaces tyrosine with cysteine at codon 1935 of the DSP protein. Computational prediction suggests that this variant may not impact protein structure and function (internally defined REVEL score threshold <= 0.5, PMID: 27666373). To our knowledge, functional studies have not been reported for this variant. This variant has been reported in an individual affected with hypertrophic cardiomyopathy (PMID: 25351510). This variant has been identified in 4/250624 chromosomes in the general population by the Genome Aggregation Database (gnomAD). The available evidence is insufficient to determine the role of this variant in disease conclusively. Therefore, this variant is classified as a Variant of Uncertain Significance.

This study involves interpretation of variants in research participants for the purpose of population health screening. Participant phenotype was not available at the time of variant classification. Additional details can be found in publication PMID: 35346344, PMCID: PMC8962531

Labcorp Genetics (formerly Invitae), Labcorp
Classification: Likely benign for Arrhythmogenic cardiomyopathy with wooly hair and keratoderma; Arrhythmogenic right ventricular dysplasia 8. Last evaluated: 2023-11-27. Review status: criteria provided, single submitter. Criteria: Invitae Variant Classification Sherloc (09022015). Collection method: clinical testing. Allele origin: germline.

GeneDx
Classification: Uncertain significance. Last evaluated: 2017-01-23. Review status: criteria provided, single submitter. Criteria: GeneDx Variant Classification (06012015). Collection method: clinical testing. Allele origin: germline. Affected: yes.
Comment: A variant of uncertain significance has been identified in the DSP gene. The Y1935C variant has not been published as pathogenic or been reported as benign to our knowledge. This variant is not observed at a significant frequency in large population cohorts (Lek et al., 2016; 1000 Genomes Consortium et al., 2015; Exome Variant Server). The Y1935C variant is a non-conservative amino acid substitution, which is likely to impact secondary protein structure as these residues differ in polarity, charge, size and/or other properties. However, this substitution occurs at a position that is not conserved across species, and 2/3 in silico algorithms predict this variant likely does not alter the protein structure/function.

Literature cited by the submitters: PubMed 25351510 (cited by All of Us Research Program, National Institutes of Health).

NM_004415.4(DSP):c.5804A>G (p.Tyr1935Cys)

Gene: DSP (desmoplakin; plus strand). Cytogenetic location: 6p24.3.
Variant type: single nucleotide variant.
Coding change: c.5804A>G on transcript NM_004415.4 (MANE Select); coding-DNA position 5804, A replaced by G.
Protein change: p.Tyr1935Cys; replaces tyrosine 1935 with cysteine.
Molecular consequence: missense variant.
Genome position (GRCh38, 1-based): chr6:7,583,066, A>G. VCF-style: chr6-7583066-A-G. GRCh37 (hg19) VCF-style: chr6-7583299-A-G.
Other names: c.4007A>G, p.Tyr1336Cys (NM_001008844.3); c.4475A>G, p.Tyr1492Cys (NM_001319034.2); c.5804A>G (LRG_423t1, NM_004415.3); short protein forms Y1935C, Y1492C, Y1336C.
Identifiers: ClinVar variation 393020 (VCV000393020.12), dbSNP rs777048976, ClinGen allele CA045770.
Genomic context (GRCh38, chr6:7,583,066, plus strand): 5'-GTAAGCTGGAGGATTCTACCAGGGAGACACAGTCACAGTTAGAAACAGAACGCTCCCGAT[A>G]TCAGAGGGAGATTGATAAACTCAGACAGCGCCCATATGGGTCCCATCGAGAGACCCAGAC-3'
Protein context (NP_004406.2, residues 1925-1945): QSQLETERSR[Tyr1935Cys]QREIDKLRQR